The following is an entry in ClinVar:

ClinVar aggregate classification (germline): Pathogenic (1 of 4 stars; one submission).

Conditions:
Developmental and epileptic encephalopathy, 12 (DEE12). Identifiers: MedGen C3150988, MONDO:0013389, OMIM 613722.

Submission:

Labcorp Genetics (formerly Invitae), Labcorp
Classification: Pathogenic for Developmental and epileptic encephalopathy, 12. Last evaluated: 2018-12-17. Review status: criteria provided, single submitter. Criteria: Invitae Variant Classification Sherloc (09022015). Collection method: clinical testing. Allele origin: germline.
Comment: This sequence change creates a premature translational stop signal (p.Ile22Serfs*17) in the PNKP gene. It is expected to result in an absent or disrupted protein product. This variant is not present in population databases (ExAC no frequency). This variant has not been reported in the literature in individuals with PNKP-related conditions. Loss-of-function variants in PNKP are known to be pathogenic (PMID: 20118933, 25728773). For these reasons, this variant has been classified as Pathogenic.

Literature cited by the submitters: PubMed 20118933; PubMed 25728773.

NM_007254.4(PNKP):c.63del (p.Ile22fs)

Gene: PNKP (polynucleotide kinase 3'-phosphatase; minus strand). Cytogenetic location: 19q13.33.
Variant type: Deletion.
Coding change: c.63del on transcript NM_007254.4 (MANE Select); coding-DNA position 63, one base deleted (C; older notation c.63delC).
Protein change: p.Ile22fs; shifts the reading frame from isoleucine 22.
Molecular consequence: frameshift variant.
Genome position (GRCh38, 1-based): chr19:49,867,142, G deleted on the plus strand (C on the coding strand, the reverse complement: PNKP is on the minus strand); the first of 6 consecutive G bases (chr19:49,867,142-49,867,147); deleting any one gives the same sequence. VCF-style (leftmost placement, unchanged base first): chr19-49867141-TG-T. GRCh37 (hg19) VCF-style: chr19-50370398-TG-T.
Other names: short protein forms I22fs.
Identifiers: ClinVar variation 652248 (VCV000652248.7), dbSNP rs1568663209, ClinGen allele CA633651453.